The following is an entry in ClinVar:

NM_000059.4(BRCA2):c.5886A>G (p.Ile1962Met)

Gene: BRCA2 (BRCA2 DNA repair associated; plus strand). Cytogenetic location: 13q13.1.
Variant type: single nucleotide variant.
Coding change: c.5886A>G on transcript NM_000059.4 (MANE Select); coding-DNA position 5886, A replaced by G.
Protein change: p.Ile1962Met; replaces isoleucine 1962 with methionine.
Molecular consequence: missense variant.
Genome position (GRCh38, 1-based): chr13:32,340,241, A>G. VCF-style: chr13-32340241-A-G. GRCh37 (hg19) VCF-style: chr13-32914378-A-G.
Other names: short protein forms I1962M.
Identifiers: ClinVar variation 481188 (VCV000481188.9), dbSNP rs987442188, ClinGen allele CA247511881.

ClinVar aggregate classification (germline): Conflicting classifications of pathogenicity. Review status: criteria provided, conflicting classifications (1 of 4 stars). 3 submissions from 3 submitters: Uncertain significance (1); Likely benign (2). Last evaluated 2024-07-31.

Conditions:
Hereditary cancer-predisposing syndrome. Also called: Hereditary Cancer Syndrome; Neoplastic Syndromes, Hereditary; Tumor predisposition; Hereditary neoplastic syndrome. Identifiers: Orphanet 140162, MedGen C0027672, MeSH D009386, MONDO:0015356.
Hereditary breast ovarian cancer syndrome. Also called: Hereditary breast and ovarian cancer syndrome; Hereditary breast and ovarian cancer; Hereditary breast and ovarian cancer syndrome (HBOC); Breast and ovarian cancer; Hereditary breast and/or ovarian cancer syndrome; BRCA1- and BRCA2-Associated Hereditary Breast and Ovarian Cancer. Identifiers: Orphanet 145, MedGen C0677776, MeSH D061325, MONDO:0003582. Disease mechanism: loss of function.

Allele frequency attached by ClinVar (database versions not stated): gnomAD exomes below 0.00001.
gnomAD v4.1: 2 of 1,614,050 alleles (0.00012%); highest among the groups gnomAD compares: Non-Finnish European, 0.00017%; no homozygotes.

Submissions (3):

Labcorp Genetics (formerly Invitae), Labcorp
Classification: Uncertain significance for Hereditary breast ovarian cancer syndrome. Last evaluated: 2024-07-31. Review status: criteria provided, single submitter. Criteria: Invitae Variant Classification Sherloc (09022015). Collection method: clinical testing. Allele origin: germline.
Comment: This sequence change replaces isoleucine, which is neutral and non-polar, with methionine, which is neutral and non-polar, at codon 1962 of the BRCA2 protein (p.Ile1962Met). This variant is not present in population databases (gnomAD no frequency). This variant has not been reported in the literature in individuals affected with BRCA2-related conditions. ClinVar contains an entry for this variant (Variation ID: 481188). Advanced modeling of protein sequence and biophysical properties (such as structural, functional, and spatial information, amino acid conservation, physicochemical variation, residue mobility, and thermodynamic stability) performed at Invitae indicates that this missense variant is not expected to disrupt BRCA2 protein function with a negative predictive value of 95%. In summary, the available evidence is currently insufficient to determine the role of this variant in disease. Therefore, it has been classified as a Variant of Uncertain Significance.

University of Washington Department of Laboratory Medicine, University of Washington
Classification: Likely benign for Hereditary cancer-predisposing syndrome. Last evaluated: 2023-03-23. Review status: criteria provided, single submitter. Criteria: Dines et al. (Genet Med. 2020). Collection method: curation. Allele origin: germline.
Comment: Missense variant in a coldspot region where missense variants are very unlikely to be pathogenic (PMID:31911673).

BRCA2 exon 11 coldspot. Reclassification based on statistical prior probability.

Ambry Genetics
Classification: Likely benign for Hereditary cancer-predisposing syndrome. Last evaluated: 2017-09-06. Review status: criteria provided, single submitter. Criteria: Ambry Variant Classification Scheme 2023. Collection method: clinical testing. Allele origin: germline.